The following is an entry in ClinVar:

NM_015506.3(MMACHC):c.462T>C (p.Phe154=)

Gene: MMACHC (metabolism of cobalamin associated C; plus strand). Cytogenetic location: 1p34.1.
Variant type: single nucleotide variant.
Coding change: c.462T>C on transcript NM_015506.3 (MANE Select); coding-DNA position 462, T replaced by C.
Protein change: p.Phe154=; no amino-acid change (phenylalanine 154 retained).
Molecular consequence: synonymous variant.
Genome position (GRCh38, 1-based): chr1:45,508,828, T>C. VCF-style: chr1-45508828-T-C. GRCh37 (hg19) VCF-style: chr1-45974500-T-C.
Other names: c.291T>C, p.Phe97= (NM_001330540.2).
Identifiers: ClinVar variation 737924 (VCV000737924.16), dbSNP rs199747998, ClinGen allele CA827768.

ClinVar aggregate classification (germline): Likely benign. Review status: criteria provided, multiple submitters, no conflicts (2 of 4 stars). 6 submissions from 6 submitters: Likely benign (4). 2 of the submissions do not count toward it. Last evaluated 2026-01-19.

Conditions:
MMACHC-related disorder. Also called: MMACHC-related condition.
Cobalamin C disease. Also called: Methylmalonic aciduria with homocystinuria cblC type; Cobalamin-C methylmalonic acidemia and homocystinuria; Methylmalonic acidemia and homocystinuria cblC type; methylmalonic aciduria and homocystinuria type cblC; Methylmalonic aciduria and homocystinuria, Vitamin B12-responsive; Vitamin B12 metabolic defect with combined deficiency of methylmalonyl-CoA mutase and homocysteine:methyltetrahydrofolate methyltransferase. Identifiers: Orphanet 26, Orphanet 79282, MedGen C1848561, MONDO:0010184, OMIM 277400.

Allele frequency attached by ClinVar (database versions not stated): ExAC 0.00002; gnomAD exomes 0.00002; gnomAD 0.00009 and 0.00011; 1000 Genomes Project 30x 0.00031; TOPMed 0.00036; 1000 Genomes Project 0.00040.

Submissions (6):

Labcorp Genetics (formerly Invitae), Labcorp
Classification: Likely benign for Cobalamin C disease. Last evaluated: 2026-01-19. Review status: criteria provided, single submitter. Criteria: Invitae Variant Classification Sherloc (09022015). Collection method: clinical testing. Allele origin: germline.

Blueprint Genetics
Classification: Likely benign. Last evaluated: 2023-06-23. Review status: criteria provided, single submitter. Criteria: ACMG Guidelines, 2015. Collection method: clinical testing. Allele origin: germline.

Genome-Nilou Lab
Classification: Likely benign for Cobalamin C disease. Last evaluated: 2023-04-11. Review status: criteria provided, single submitter. Criteria: ACMG Guidelines, 2015. Collection method: clinical testing. Allele origin: germline. Affected: no.

Fulgent Genetics
Classification: Likely benign for Cobalamin C disease. Last evaluated: 2021-08-20. Review status: criteria provided, single submitter. Criteria: ACMG Guidelines, 2015. Collection method: clinical testing. Allele origin: unknown.

Natera, Inc.
Classification: Likely benign for Methylmalonic aciduria with homocystinuria cblC type. Last evaluated: 2020-09-16. Review status: no assertion criteria provided. Collection method: clinical testing. Allele origin: germline. Not counted in ClinVar's aggregate classification.

PreventionGenetics, part of Exact Sciences
Classification: Likely benign for MMACHC-related condition. Last evaluated: 2019-02-25. Review status: no assertion criteria provided. Collection method: clinical testing. Allele origin: germline. Not counted in ClinVar's aggregate classification.
Comment: This variant is classified as likely benign based on ACMG/AMP sequence variant interpretation guidelines (Richards et al. 2015 PMID: 25741868, with internal and published modifications).